The following is an entry in ClinVar:

ClinVar aggregate classification (germline): Pathogenic/Likely pathogenic. Review status: criteria provided, multiple submitters, no conflicts (2 of 4 stars). 5 submissions from 5 submitters: Pathogenic (1); Likely pathogenic (3). 1 of the submissions does not count toward it. Last evaluated 2026-01-19.

Conditions:
Combined oxidative phosphorylation deficiency 33 (COXPD33). Identifiers: MedGen C4540209, MONDO:0054677, OMIM 617713.
C1QBP-related disorder. Also called: C1QBP-related condition.
Mitochondrial disease. Also called: Mitochondrial disorder; Mitochondrial disorders. Identifiers: Orphanet 68380, MedGen C0751651, MeSH D028361, MONDO:0044970.

Allele frequency attached by ClinVar (database versions not stated): TOPMed 0.00001; gnomAD exomes 0.00002; ExAC 0.00003; gnomAD 0.00003.
gnomAD v4.1: 30 of 1,613,960 alleles (0.0019%); highest among the groups gnomAD compares: Non-Finnish European, 0.0025%; no homozygotes.

Submissions (5):

Labcorp Genetics (formerly Invitae), Labcorp
Classification: Pathogenic. Last evaluated: 2026-01-19. Review status: criteria provided, single submitter. Criteria: Invitae Variant Classification Sherloc (09022015). Collection method: clinical testing. Allele origin: germline.
Comment: This sequence change replaces phenylalanine, which is neutral and non-polar, with leucine, which is neutral and non-polar, at codon 204 of the C1QBP protein (p.Phe204Leu). This variant is present in population databases (rs767427194, gnomAD 0.005%). This missense change has been observed in individual(s) with C1QBP-related conditions (PMID: 28942965, 32652806, 34003581). In at least one individual the data is consistent with being in trans (on the opposite chromosome) from a pathogenic variant. It has also been observed to segregate with disease in related individuals. ClinVar contains an entry for this variant (Variation ID: 441242). An algorithm developed to predict the effect of missense changes on protein structure and function (PolyPhen-2) suggests that this variant is likely to be disruptive. For these reasons, this variant has been classified as Pathogenic.

PreventionGenetics, part of Exact Sciences
Classification: Likely pathogenic for C1QBP-related condition. Last evaluated: 2024-12-23. Review status: criteria provided, single submitter. Criteria: ACMG Guidelines, 2015. Collection method: clinical testing. Allele origin: germline.
Comment: The C1QBP c.612C>G variant is predicted to result in the amino acid substitution p.Phe204Leu. This variant has been reported in the compound heterozygous state in an infant with lactic acidosis and asymmetric ventricular cardiomyopathy (Feichtinger et al. 2017. PubMed ID: 28942965) and has also been reported compound heterozygous in two infant siblings with cardiomyopathy and ventricular fibrillation (Webster et al. 2021. PubMed ID: 34003581). This variant has been reported in the homozygous state an individual with late onset progressive external ophthalmoplegia (Marchet et al. 2020. PubMed ID: 32652806). This variant is reported in 0.0053% of alleles in individuals of European (non-Finnish) descent in gnomAD. This variant is interpreted as likely pathogenic.

Department of Pathology and Laboratory Medicine, Sinai Health System
Classification: Likely pathogenic for mitochondrial disease. Last evaluated: 2022-08-03. Review status: criteria provided, single submitter. Criteria: ACMG Guidelines, 2015. Collection method: research. Allele origin: germline.

GeneDx
Classification: Likely pathogenic. Last evaluated: 2021-06-17. Review status: criteria provided, single submitter. Criteria: GeneDx Variant Classification Process June 2021. Collection method: clinical testing. Allele origin: germline. Affected: yes.
Comment: In silico analysis, which includes protein predictors and evolutionary conservation, supports a deleterious effect; This variant is associated with the following publications: (PMID: 28942965, 32652806, 34003581, 33113594, 33113593, 27535533)

OMIM
Classification: Pathogenic for COMBINED OXIDATIVE PHOSPHORYLATION DEFICIENCY 33. Last evaluated: 2017-10-12. Review status: no assertion criteria provided. Collection method: literature only. Allele origin: germline. Not counted in ClinVar's aggregate classification.

Literature cited by the submitters: PubMed 28942965 (cited by Labcorp Genetics (formerly Invitae), Labcorp and OMIM); PubMed 32652806 (cited by Labcorp Genetics (formerly Invitae), Labcorp); PubMed 34003581 (cited by Labcorp Genetics (formerly Invitae), Labcorp).

NM_001212.4(C1QBP):c.612C>G (p.Phe204Leu)

Gene: C1QBP (complement C1q binding protein; minus strand). Cytogenetic location: 17p13.2.
Variant type: single nucleotide variant.
Coding change: c.612C>G on transcript NM_001212.4 (MANE Select); coding-DNA position 612, C replaced by G.
Protein change: p.Phe204Leu; replaces phenylalanine 204 with leucine.
Molecular consequence: missense variant.
Genome position (GRCh38, 1-based): chr17:5,433,380, G>C on the plus strand (C>G on the coding strand, the complement: C1QBP is on the minus strand). VCF-style: chr17-5433380-G-C. GRCh37 (hg19) VCF-style: chr17-5336700-G-C.
Other names: C1QBP, PHE204LEU; short protein forms F204L.
Identifiers: ClinVar variation 441242 (VCV000441242.11), dbSNP rs767427194, ClinGen allele CA8325220.